The following is an entry in ClinVar:

NM_005677.4(COLQ):c.954+6G>A

Gene: COLQ (collagen like tail subunit of asymmetric acetylcholinesterase; minus strand). Cytogenetic location: 3p25.1.
Variant type: single nucleotide variant.
Coding change: c.954+6G>A on transcript NM_005677.4 (MANE Select); 6 bases into the intron after coding-DNA position 954, G replaced by A.
Molecular consequence: intron variant.
Genome position (GRCh38, 1-based): chr3:15,458,180, C>T on the plus strand (G>A on the coding strand, the complement: COLQ is on the minus strand). VCF-style: chr3-15458180-C-T. GRCh37 (hg19) VCF-style: chr3-15499687-C-T.
Other names: c.852+6G>A (NM_080539.4); c.924+6G>A (NM_080538.2).
Identifiers: ClinVar variation 1429259 (VCV001429259.4), dbSNP rs749018849, ClinGen allele CA2275919.
Genomic context (GRCh38, chr3:15,458,180, plus strand): 5'-CCCCATAAGGATCAGGTGAGAGGTCCTCACGGATAACCACCCCAGACTTCTCCCAGAAAG[C>T]CTTACCACAGGAACTCGCGGGGAACTGGGCCCATACACAGATTCCCCGTAGGAAGGGTTA-3'

ClinVar aggregate classification (germline): Uncertain significance (1 of 4 stars; one submission).

Conditions:
Congenital myasthenic syndrome 5. Identifiers: Orphanet 590, MedGen C1864233, MONDO:0011281, OMIM 603034.

Allele frequency attached by ClinVar (database versions not stated): ExAC 0.00001; gnomAD 0.00002; gnomAD exomes 0.00002; TOPMed 0.00002.
gnomAD v4.1: 25 of 1,613,112 alleles (0.0015%); highest among the groups gnomAD compares: Non-Finnish European, 0.002%; no homozygotes.

Submission:

Labcorp Genetics (formerly Invitae), Labcorp
Classification: Uncertain significance for Congenital myasthenic syndrome 5. Last evaluated: 2020-12-07. Review status: criteria provided, single submitter. Criteria: Invitae Variant Classification Sherloc (09022015). Collection method: clinical testing. Allele origin: germline.
Comment: In summary, the available evidence is currently insufficient to determine the role of this variant in disease. Therefore, it has been classified as a Variant of Uncertain Significance. Nucleotide substitutions within the consensus splice site are a relatively common cause of aberrant splicing (PMID: 17576681, 9536098). Algorithms developed to predict the effect of sequence changes on RNA splicing suggest that this variant is not likely to affect RNA splicing, but this prediction has not been confirmed by published transcriptional studies. This variant has not been reported in the literature in individuals with COLQ-related conditions. This variant is present in population databases (rs749018849, ExAC 0.02%). This sequence change falls in intron 13 of the COLQ gene. It does not directly change the encoded amino acid sequence of the COLQ protein. It affects a nucleotide within the consensus splice site of the intron.

Literature cited by the submitters: PubMed 17576681; PubMed 9536098.